The following is an entry in ClinVar:

ClinVar aggregate classification (germline): Conflicting classifications of pathogenicity. Review status: criteria provided, conflicting classifications (1 of 4 stars). 3 submissions from 3 submitters: Pathogenic (1); Likely pathogenic (1); Uncertain significance (1). Last evaluated 2025-02-20.

Conditions:
Complex cortical dysplasia with other brain malformations 7. Identifiers: Orphanet 300573, MedGen C3552236, MONDO:0012399, OMIM 610031.

Submissions (3):

Labcorp Genetics (formerly Invitae), Labcorp
Classification: Uncertain significance. Last evaluated: 2025-02-20. Review status: criteria provided, single submitter. Criteria: Invitae Variant Classification Sherloc (09022015). Collection method: clinical testing. Allele origin: germline.
Comment: This sequence change replaces arginine, which is basic and polar, with histidine, which is basic and polar, at codon 391 of the TUBB2B protein (p.Arg391His). This variant is not present in population databases (gnomAD no frequency). This variant has not been reported in the literature in individuals affected with TUBB2B-related conditions. ClinVar contains an entry for this variant (Variation ID: 809861). Invitae Evidence Modeling of protein sequence and biophysical properties (such as structural, functional, and spatial information, amino acid conservation, physicochemical variation, residue mobility, and thermodynamic stability) indicates that this missense variant is expected to disrupt TUBB2B protein function with a positive predictive value of 80%. In summary, the available evidence is currently insufficient to determine the role of this variant in disease. Therefore, it has been classified as a Variant of Uncertain Significance.

Human Genome Lab, NIMHANS, National Institute of Mental Health and Neuro Sciences
Classification: Pathogenic for Complex cortical dysplasia with other brain malformations 7. Last evaluated: 2022-08-03. Review status: criteria provided, single submitter. Criteria: ACMG Guidelines, 2015. Collection method: clinical testing. Allele origin: germline. Inheritance: Autosomal dominant inheritance. Affected: yes. Observed: 1 heterozygote.
Comment: The missense variant NM_178012.5(TUBB2B):c.1172G>A (p.Arg391His) causes the same amino acid change as a previously established pathogenic variant. The p.Arg391His variant is novel (not in any individuals) in 1kG All. The p.Arg391His variant is novel (not in any individuals) in gnomAD as well as in our inhouse database. The variant was previously reported in ClinVar as Likely Pathogenic (Accession:VCV000809861.14). There is a small physicochemical difference between arginine and histidine, which is not likely to impact secondary protein structure as these residues share similar properties. The gene TUBB2B has a low rate of benign missense variation as indicated by a high missense variants Z-Score of 5.12. The gene TUBB2B contains 31 pathogenic missense variants, indicating that missense variants are a common mechanism of disease in this gene. 3 variants within 6 amino acid positions of the variant p.Arg391His have been shown to be pathogenic, while none have been shown to be benign. In addition, the clinical phenotype of the proband matches with that of the disorder caused by pathogenic variants in the TUBB2B gene. For these reasons, this variant has been classified as Pathogenic.

CeGaT Center for Human Genetics Tuebingen
Classification: Likely pathogenic. Last evaluated: 2019-10-01. Review status: criteria provided, single submitter. Criteria: CeGaT Center For Human Genetics Tuebingen Variant Classification Criteria Version 2. Collection method: clinical testing. Allele origin: germline. Affected: yes. Observed: 3 variant alleles.

NM_178012.5(TUBB2B):c.1172G>A (p.Arg391His)

Gene: TUBB2B (tubulin beta 2B class IIb; minus strand). Cytogenetic location: 6p25.2.
Variant type: single nucleotide variant.
Coding change: c.1172G>A on transcript NM_178012.5 (MANE Select); coding-DNA position 1172, G replaced by A.
Protein change: p.Arg391His; replaces arginine 391 with histidine.
Molecular consequence: missense variant.
Genome position (GRCh38, 1-based): chr6:3,224,917, C>T on the plus strand (G>A on the coding strand, the complement: TUBB2B is on the minus strand). VCF-style: chr6-3224917-C-T. GRCh37 (hg19) VCF-style: chr6-3225151-C-T.
Other names: short protein forms R391H.
Identifiers: ClinVar variation 809861 (VCV000809861.45), dbSNP rs1581525683, ClinGen allele CA362585074.